The following is an entry in ClinVar:

ClinVar aggregate classification (germline): Pathogenic (1 of 4 stars; one submission).

Submission:

GeneDx
Classification: Pathogenic. Last evaluated: 2024-03-10. Review status: criteria provided, single submitter. Criteria: GeneDx Variant Classification Process June 2021. Collection method: clinical testing. Allele origin: germline. Affected: yes.
Comment: Canonical splice site variant predicted to result in a null allele in a gene for which loss of function is a known mechanism of disease; Not observed at significant frequency in large population cohorts (gnomAD); Has not been previously published as pathogenic or benign to our knowledge

NM_020987.5(ANK3):c.2948+1G>A

Gene: ANK3 (ankyrin 3; minus strand). Cytogenetic location: 10q21.2.
Variant type: single nucleotide variant.
Coding change: c.2948+1G>A on transcript NM_020987.5 (MANE Select); the canonical splice donor site of the intron after coding-DNA position 2948, G replaced by A.
Molecular consequence: splice donor variant.
Genome position (GRCh38, 1-based): chr10:60,114,224, C>T on the plus strand (G>A on the coding strand, the complement: ANK3 is on the minus strand). VCF-style: chr10-60114224-C-T. GRCh37 (hg19) VCF-style: chr10-61873982-C-T.
Other names: c.2930+1G>A (NM_001204403.2); c.2951+1G>A (NM_001204404.2); c.2948+1G>A (NM_001320874.2); c.350+1G>A (NM_001149.4).
Identifiers: ClinVar variation 3340968 (VCV003340968.1).